The following is an entry in ClinVar:

NM_000552.5(VWF):c.2547-1G>C

Gene: VWF (von Willebrand factor; minus strand). Cytogenetic location: 12p13.31.
Variant type: single nucleotide variant.
Coding change: c.2547-1G>C on transcript NM_000552.5 (MANE Select); the canonical splice acceptor site of the intron before coding-DNA position 2547, G replaced by C.
Molecular consequence: splice acceptor variant.
Genome position (GRCh38, 1-based): chr12:6,034,827, C>G on the plus strand (G>C on the coding strand, the complement: VWF is on the minus strand). VCF-style: chr12-6034827-C-G. GRCh37 (hg19) VCF-style: chr12-6143993-C-G.
Identifiers: ClinVar variation 1065280 (VCV001065280.3), dbSNP rs2136430750, ClinGen allele CA383520260.
Genomic context (GRCh38, chr12:6,034,827, plus strand): 5'-GTGGAGCACGTGGCATCACACACATGGTCTGTGCAGTTCCACTTCCGGTCCTGACAGACA[C>G]TAGGAGCAGTCATGGCAGAGATGACAAGTTGGGCACCTTGGGTTTGAGGGGCCCATCTGG-3'

ClinVar aggregate classification (germline): Uncertain significance (0 of 4 stars; one submission).

Conditions:
von Willebrand disease type 3 (VWD3). Also called: Type 3 Von Willebrand's disease; Type 3 VWD; Von Willebrand disease, severe form; V WD3; VON WILLEBRAND DISEASE, TYPE III. Identifiers: Orphanet 166096, MedGen C1264041, MONDO:0010191, OMIM 277480.

Submission:

Angelo Bianchi Bonomi Hemophilia and Thrombosis Center, Fondazione IRCCS Ca Granda Ospedale Maggiore Policlinico
Classification: Uncertain significance for von Willebrand disease type 3. Last evaluated: 2020-11-01. Review status: no assertion criteria provided. Collection method: clinical testing. Allele origin: germline. Affected: yes. Study: Type 3 Von Willebrand International Registries Inhibitor Prospective Study (3WINTERS-IPS).
Comment: ClinGen Pathogenicity Calculator